The following is an entry in ClinVar:

NM_006231.4(POLE):c.1324G>C (p.Glu442Gln)

Gene: POLE (DNA polymerase epsilon, catalytic subunit; minus strand). Cytogenetic location: 12q24.33.
Variant type: single nucleotide variant.
Coding change: c.1324G>C on transcript NM_006231.4 (MANE Select); coding-DNA position 1324, G replaced by C.
Protein change: p.Glu442Gln; replaces glutamic acid 442 with glutamine.
Molecular consequence: missense variant.
Genome position (GRCh38, 1-based): chr12:132,673,610, C>G on the plus strand (G>C on the coding strand, the complement: POLE is on the minus strand). VCF-style: chr12-132673610-C-G. GRCh37 (hg19) VCF-style: chr12-133250196-C-G.
Other names: short protein forms E442Q.
Identifiers: ClinVar variation 2562953 (VCV002562953.4), dbSNP rs2542145507, ClinGen allele CA387359275.
Genomic context (GRCh38, chr12:132,673,610, plus strand): 5'-GGCAGCCGGGATGTGGCTTACGTGCCTGGGGCTGCTCCGTGGCCATCCGGCACATGTCCT[C>G]CGGGTCTAGCTCCACGGGATCATAGCCTAGCTTGGCCTTGGCGGCCGCCTTGAGATTATG-3'
Protein context (NP_006222.2, residues 432-452): LGYDPVELDP[Glu442Gln]DMCRMATEQP

ClinVar aggregate classification (germline): Uncertain significance. Review status: criteria provided, multiple submitters, no conflicts (2 of 4 stars). 3 submissions from 3 submitters: Uncertain significance (3). Last evaluated 2025-11-22.

Conditions:
Hereditary cancer-predisposing syndrome. Also called: Neoplastic Syndromes, Hereditary; Hereditary Cancer Syndrome; Hereditary neoplastic syndrome; Tumor predisposition. Identifiers: Orphanet 140162, MedGen C0027672, MeSH D009386, MONDO:0015356.
Colorectal cancer, susceptibility to, 12 (CRCS12). Also called: COLORECTAL CANCER, SUSCEPTIBILITY TO, ON CHROMOSOME 12q24. Identifiers: Orphanet 220460, MedGen C3554460, MONDO:0014038, OMIM 615083.

Submissions (3):

Labcorp Genetics (formerly Invitae), Labcorp
Classification: Uncertain significance. Last evaluated: 2025-11-22. Review status: criteria provided, single submitter. Criteria: Invitae Variant Classification Sherloc (09022015). Collection method: clinical testing. Allele origin: germline.
Comment: This sequence change replaces glutamic acid, which is acidic and polar, with glutamine, which is neutral and polar, at codon 442 of the POLE protein (p.Glu442Gln). This variant is not present in population databases (gnomAD no frequency). This variant has not been reported in the literature in individuals affected with POLE-related conditions. ClinVar contains an entry for this variant (Variation ID: 2562953). Invitae Evidence Modeling of protein sequence and biophysical properties (such as structural, functional, and spatial information, amino acid conservation, physicochemical variation, residue mobility, and thermodynamic stability) indicates that this missense variant is expected to disrupt POLE protein function with a positive predictive value of 80%. In summary, the available evidence is currently insufficient to determine the role of this variant in disease. Therefore, it has been classified as a Variant of Uncertain Significance.

Baylor Genetics
Classification: Uncertain significance for Colorectal cancer, susceptibility to, 12. Last evaluated: 2023-06-14. Review status: criteria provided, single submitter. Criteria: ACMG Guidelines, 2015. Collection method: clinical testing. Allele origin: unknown.

Ambry Genetics
Classification: Uncertain significance for Hereditary cancer-predisposing syndrome. Last evaluated: 2023-06-07. Review status: criteria provided, single submitter. Criteria: Ambry Variant Classification Scheme 2023. Collection method: clinical testing. Allele origin: germline.
Comment: The p.E442Q variant (also known as c.1324G>C), located in coding exon 13 of the POLE gene, results from a G to C substitution at nucleotide position 1324. The glutamic acid at codon 442 is replaced by glutamine, an amino acid with highly similar properties. This amino acid position is conserved. In addition, the in silico prediction for this alteration is inconclusive. Since supporting evidence is limited at this time, the clinical significance of this alteration remains unclear.